The following is an entry in ClinVar:

NM_206933.4(USH2A):c.6604del (p.Asp2202fs)

Gene: USH2A (usherin; minus strand). Cytogenetic location: 1q41.
Variant type: Deletion.
Coding change: c.6604del on transcript NM_206933.4 (MANE Select); coding-DNA position 6604, one base deleted (G; older notation c.6604delG).
Protein change: p.Asp2202fs; shifts the reading frame from aspartic acid 2202.
Molecular consequence: frameshift variant.
Genome position (GRCh38, 1-based): chr1:215,998,940, C deleted on the plus strand (G on the coding strand, the reverse complement: USH2A is on the minus strand); the first of 2 consecutive C bases (chr1:215,998,940-215,998,941); deleting either gives the same sequence. VCF-style (leftmost placement, unchanged base first): chr1-215998939-TC-T. GRCh37 (hg19) VCF-style: chr1-216172281-TC-T.
Other names: short protein forms D2202fs.
Identifiers: ClinVar variation 4817139 (VCV004817139.1).
Genomic context (GRCh38, chr1:215,998,939, plus strand): 5'-AAACTTACTCCCAGCTTGATGAGATATTTATTACCAGGTAAAACGTATTGTAGCATATGA[TC>T]CTGGAAAAGTTCTGTACTGTTATAGATGACACTCCAAATTGTAAAATCATGTGTATGGTT-3'

ClinVar aggregate classification (germline): Likely pathogenic (1 of 4 stars; one submission).

Conditions:
Usher syndrome type 2A. Also called: RETINAL DISEASE IN USHER SYNDROME TYPE IIA, MODIFIER OF; USHER SYNDROME, TYPE IIA. Identifiers: Orphanet 231178, Orphanet 886, MedGen C1848634, MONDO:0010169, OMIM 276901.

Submission:

Natera, Inc.
Classification: Likely pathogenic for Usher syndrome type 2A. Last evaluated: 2025-08-25. Review status: criteria provided, single submitter. Criteria: Natera Variant Classification Schema (03/2026). Collection method: clinical testing. Allele origin: germline.
Comment: The c.6604del variant in USH2A is a frameshift variant predicted to shift the reading frame beginning at codon 2202 and leads to a stop codon 27 codons downstream. This variant is expected to result in nonsense mediated decay, truncation, or a dysfunctional protein product. This variant is rare in the general population with a frequency below the threshold expected for the associated phenotype(s). Given the available evidence, this variant is classified as Likely Pathogenic.